The following is an entry in ClinVar:

ClinVar aggregate classification (germline): Likely benign. Review status: criteria provided, single submitter (1 of 4 stars). 2 submissions from 2 submitters: Likely benign (1). 1 of the submissions does not count toward it. Last evaluated 2026-01-27.

Conditions:
OBSL1-related disorder. Also called: OBSL1-related condition.

Allele frequency attached by ClinVar (database versions not stated): ExAC below 0.00001; gnomAD 0.00003 and 0.00004; gnomAD exomes 0.00006 and 0.00013; TOPMed 0.00006.
gnomAD v4.1: 91 of 1,508,744 alleles (0.006%); highest among the groups gnomAD compares: Middle Eastern, 0.051%; no homozygotes.

Submissions (2):

Labcorp Genetics (formerly Invitae), Labcorp
Classification: Likely benign. Last evaluated: 2026-01-27. Review status: criteria provided, single submitter. Criteria: Invitae Variant Classification Sherloc (09022015). Collection method: clinical testing. Allele origin: germline.

PreventionGenetics, part of Exact Sciences
Classification: Likely benign for OBSL1-related condition. Last evaluated: 2019-09-17. Review status: no assertion criteria provided. Collection method: clinical testing. Allele origin: germline. Not counted in ClinVar's aggregate classification.
Comment: This variant is classified as likely benign based on ACMG/AMP sequence variant interpretation guidelines (Richards et al. 2015 PMID: 25741868, with internal and published modifications).

NM_015311.3(OBSL1):c.546C>T (p.Gly182=)

Gene: OBSL1 (obscurin like cytoskeletal adaptor 1; minus strand). Cytogenetic location: 2q35.
Variant type: single nucleotide variant.
Coding change: c.546C>T on transcript NM_015311.3 (MANE Select); coding-DNA position 546, C replaced by T.
Protein change: p.Gly182=; no amino-acid change (glycine 182 retained).
Molecular consequence: synonymous variant.
Genome position (GRCh38, 1-based): chr2:219,570,687, G>A on the plus strand (C>T on the coding strand, the complement: OBSL1 is on the minus strand). VCF-style: chr2-219570687-G-A. GRCh37 (hg19) VCF-style: chr2-220435409-G-A.
Other names: c.546C>T, p.Gly182= (NM_001173408.2, NM_001173431.2).
Identifiers: ClinVar variation 773567 (VCV000773567.8), dbSNP rs778676610, ClinGen allele CA2131780.